The following is an entry in ClinVar:

ClinVar aggregate classification (germline): not provided (0 of 4 stars; one submission).

Allele frequency attached by ClinVar (database versions not stated): TOPMed below 0.00001; gnomAD 0.00001.

Submission:

Human Evolutionary Genetics, Institut Pasteur
No classification provided. Review status: no classification provided. Collection method: not provided. Allele origin: germline.
ClinVar note: Converted during submission from untested to not provided.

NC_000007.14:g.30478919C>T

Gene: NOD1 (nucleotide binding oligomerization domain containing 1; minus strand). Cytogenetic location: 7p14.3.
Variant type: single nucleotide variant.
Genome position: GRCh38 VCF-style: chr7-30478919-C-T. GRCh37 (hg19) VCF-style: chr7-30518535-C-T.
Identifiers: ClinVar variation 102942 (VCV000102942.2), dbSNP rs199475894, ClinGen allele CA229905.